The following is an entry in ClinVar:

NM_004304.5(ALK):c.1277G>A (p.Ser426Asn)

Gene: ALK (ALK receptor tyrosine kinase; minus strand). Cytogenetic location: 2p23.2.
Variant type: single nucleotide variant.
Coding change: c.1277G>A on transcript NM_004304.5 (MANE Select); coding-DNA position 1277, G replaced by A.
Protein change: p.Ser426Asn; replaces serine 426 with asparagine.
Molecular consequence: missense variant.
Genome position (GRCh38, 1-based): chr2:29,383,737, C>T on the plus strand (G>A on the coding strand, the complement: ALK is on the minus strand). VCF-style: chr2-29383737-C-T. GRCh37 (hg19) VCF-style: chr2-29606603-C-T.
Other names: short protein forms S426N.
Identifiers: ClinVar variation 3371606 (VCV003371606.2).
Genomic context (GRCh38, chr2:29,383,737, plus strand): 5'-GACACATCTAACACAATAGGCTACCAAGGAGCGTGGGAAAGCCAGATTCAGATACCTTCA[C>T]TGCAGTTCTTCAGGGCAAAGAAGTCCACTGCAGACAAGCTGCGGTTTCCACTGGAGATGT-3'
Protein context (NP_004295.2, residues 416-436): AVDFFALKNC[Ser426Asn]EGTSPGSKMA

ClinVar aggregate classification (germline): Uncertain significance. Review status: criteria provided, multiple submitters, no conflicts (2 of 4 stars). 2 submissions from 2 submitters: Uncertain significance (2). Last evaluated 2026-07-22.

Conditions:
Hereditary cancer-predisposing syndrome. Also called: Tumor predisposition; Hereditary Cancer Syndrome; Hereditary neoplastic syndrome; Neoplastic Syndromes, Hereditary. Identifiers: Orphanet 140162, MedGen C0027672, MeSH D009386, MONDO:0015356.

Submissions (2):

Ambry Genetics
Classification: Uncertain significance for Hereditary cancer-predisposing syndrome. Last evaluated: 2026-07-22. Review status: criteria provided, single submitter. Criteria: Ambry Variant Classification Scheme 2023. Collection method: clinical testing. Allele origin: germline.
Comment: The p.S426N variant (also known as c.1277G>A), located in coding exon 5 of the ALK gene, results from a G to A substitution at nucleotide position 1277. The serine at codon 426 is replaced by asparagine, an amino acid with highly similar properties. This amino acid position is conserved. In addition, this alteration is predicted to be tolerated by in silico analysis. Based on the available evidence, the clinical significance of this variant remains unclear.

GeneDx
Classification: Uncertain significance. Last evaluated: 2024-03-28. Review status: criteria provided, single submitter. Criteria: GeneDx Variant Classification Process June 2021. Collection method: clinical testing. Allele origin: germline. Affected: yes.
Comment: Not observed at significant frequency in large population cohorts (gnomAD); In silico analysis supports that this missense variant does not alter protein structure/function; Has not been previously published as pathogenic or benign to our knowledge